The following is an entry in ClinVar:

ClinVar aggregate classification (germline): Likely benign. Review status: criteria provided, single submitter (1 of 4 stars). 2 submissions from 2 submitters: Likely benign (1). 1 of the submissions does not count toward it. Last evaluated 2023-09-01.

Conditions:
CD79A-related disorder. Also called: CD79A-related condition.

Submissions (2):

CeGaT Center for Human Genetics Tuebingen
Classification: Likely benign. Last evaluated: 2023-09-01. Review status: criteria provided, single submitter. Criteria: CeGaT Center For Human Genetics Tuebingen Variant Classification Criteria Version 2. Collection method: clinical testing. Allele origin: germline. Affected: yes. Observed: 2 variant alleles.
Comment: CD79A: PM2:Supporting, BP4, BP7

PreventionGenetics, part of Exact Sciences
Classification: Likely benign for CD79A-related condition. Last evaluated: 2019-10-09. Review status: no assertion criteria provided. Collection method: clinical testing. Allele origin: germline. Not counted in ClinVar's aggregate classification.
Comment: This variant is classified as likely benign based on ACMG/AMP sequence variant interpretation guidelines (Richards et al. 2015 PMID: 25741868, with internal and published modifications).

NM_001783.4(CD79A):c.87G>C (p.Gly29=)

Genes: CD79A (CD79a molecule; plus strand), RPS19-CD79A (RPS19-CD79A readthrough; plus strand). Cytogenetic location: 19q13.2.
Variant type: single nucleotide variant.
Coding change: c.87G>C on transcript NM_001783.4 (MANE Select); coding-DNA position 87, G replaced by C.
Protein change: p.Gly29=; no amino-acid change (glycine 29 retained).
Molecular consequence: synonymous variant.
Genome position (GRCh38, 1-based): chr19:41,878,997, G>C. VCF-style: chr19-41878997-G-C. GRCh37 (hg19) VCF-style: chr19-42383067-G-C.
Other names: c.87G>C, p.Gly29= (NM_021601.4).
Identifiers: ClinVar variation 2649930 (VCV002649930.25), dbSNP rs2123303737, ClinGen allele CA507693663.
Genomic context (GRCh38, chr19:41,878,997, plus strand): 5'-GGAAATGTGTCACCATCCCCAGTCCCTGACCCACCCACCCTGTCTCTCCACAGGCCCTGG[G>C]TGCCAGGCCCTGTGGATGCACAAGGTCCCAGCATCATTGATGGTGAGCCTGGGGGAAGAC-3'
Protein context (NP_001774.1, residues 19-39): FLLSAVYLGP[Gly29=]CQALWMHKVP